The following is an entry in ClinVar:

ClinVar aggregate classification (germline): Uncertain significance (1 of 4 stars; one submission).

Conditions:
Inborn genetic diseases. Identifiers: MedGen C0950123, MeSH D030342.

Submission:

Ambry Genetics
Classification: Uncertain significance for Inborn genetic diseases. Last evaluated: 2026-04-12. Review status: criteria provided, single submitter. Criteria: Ambry Variant Classification Scheme 2023. Collection method: clinical testing. Allele origin: germline.
Comment: The p.M332T variant (also known as c.995T>C), located in coding exon 10 of the DDX41 gene, results from a T to C substitution at nucleotide position 995. The methionine at codon 332 is replaced by threonine, an amino acid with similar properties. This amino acid position is conserved. In addition, the in silico prediction for this alteration is inconclusive. Based on the available evidence, the clinical significance of this variant remains unclear.

NM_016222.4(DDX41):c.995T>C (p.Met332Thr)

Gene: DDX41 (DEAD-box helicase 41; minus strand). Cytogenetic location: 5q35.3.
Variant type: single nucleotide variant.
Coding change: c.995T>C on transcript NM_016222.4 (MANE Select); coding-DNA position 995, T replaced by C.
Protein change: p.Met332Thr; replaces methionine 332 with threonine.
Molecular consequence: missense variant.
Genome position (GRCh38, 1-based): chr5:177,513,788, A>G on the plus strand (T>C on the coding strand, the complement: DDX41 is on the minus strand). VCF-style: chr5-177513788-A-G. GRCh37 (hg19) VCF-style: chr5-176940789-A-G.
Other names: c.617T>C, p.Met206Thr (NM_001321732.2, NM_001321830.2); short protein forms M206T, M332T.
Identifiers: ClinVar variation 4869642 (VCV004869642.1).